The following is an entry in ClinVar:

NM_015166.4(MLC1):c.890T>G (p.Ile297Arg)

Gene: MLC1 (modulator of VRAC current 1; minus strand). Cytogenetic location: 22q13.33.
Variant type: single nucleotide variant.
Coding change: c.890T>G on transcript NM_015166.4 (MANE Select); coding-DNA position 890, T replaced by G.
Protein change: p.Ile297Arg; replaces isoleucine 297 with arginine.
Molecular consequence: missense variant. On other transcripts: non-coding transcript variant (3).
Genome position (GRCh38, 1-based): chr22:50,068,437, A>C on the plus strand (T>G on the coding strand, the complement: MLC1 is on the minus strand). VCF-style: chr22-50068437-A-C. GRCh37 (hg19) VCF-style: chr22-50506866-A-C.
Other names: c.890T>G, p.Ile297Arg (NM_001376472.1, NM_001376473.1, NM_001376474.1 and 5 more transcripts); c.833T>G, p.Ile278Arg (NM_001376479.1); c.800T>G, p.Ile267Arg (NM_001376480.1); c.788T>G, p.Ile263Arg (NM_001376481.1); c.734T>G, p.Ile245Arg (NM_001376482.1, NM_001376483.1); c.653T>G, p.Ile218Arg (NM_001376484.1); short protein forms I278R, I245R, I267R, I263R, I218R, I297R.
Identifiers: ClinVar variation 1358845 (VCV001358845.5), dbSNP rs2146811164, ClinGen allele CA412107494.

ClinVar aggregate classification (germline): Uncertain significance (1 of 4 stars; one submission).

Submission:

Labcorp Genetics (formerly Invitae), Labcorp
Classification: Uncertain significance. Last evaluated: 2021-09-24. Review status: criteria provided, single submitter. Criteria: Invitae Variant Classification Sherloc (09022015). Collection method: clinical testing. Allele origin: germline.
Comment: This sequence change replaces isoleucine with arginine at codon 297 of the MLC1 protein (p.Ile297Arg). The isoleucine residue is moderately conserved and there is a moderate physicochemical difference between isoleucine and arginine. This variant is not present in population databases (ExAC no frequency). This variant has not been reported in the literature in individuals with MLC1-related conditions. Algorithms developed to predict the effect of missense changes on protein structure and function are either unavailable or do not agree on the potential impact of this missense change (SIFT: "Deleterious"; PolyPhen-2: "Probably Damaging"; Align-GVGD: "Class C0"). In summary, the available evidence is currently insufficient to determine the role of this variant in disease. Therefore, it has been classified as a Variant of Uncertain Significance.